The following is an entry in ClinVar:

ClinVar aggregate classification (germline): Benign. Review status: criteria provided, multiple submitters, no conflicts (2 of 4 stars). 15 submissions from 12 submitters: Benign (12). 3 of the submissions do not count toward it. Last evaluated 2026-02-04.

Conditions:
Cardiovascular phenotype. Identifiers: MedGen CN230736.
Dilated cardiomyopathy 1G (CMD1G). Identifiers: Orphanet 154, MedGen C1858763, MONDO:0011400, OMIM 604145.
Autosomal recessive limb-girdle muscular dystrophy type 2J (LGMDR10). Also called: Limb-girdle muscular dystrophy, type 2J; MUSCULAR DYSTROPHY, LIMB-GIRDLE, AUTOSOMAL RECESSIVE 10. Identifiers: Orphanet 140922, MedGen C1837342, MONDO:0012127, OMIM 608807.
Early-onset myopathy with fatal cardiomyopathy (CMYO5). Also called: CONGENITAL MYOPATHY 5 WITH CARDIOMYOPATHY; Salih Myopathy. Identifiers: Orphanet 289377, MedGen C2673677, MONDO:0012714, OMIM 611705. Disease mechanism: loss of function.
Myopathy, myofibrillar, 9, with early respiratory failure (MFM9). Also called: Myopathy, distal, with early respiratory failure, autosomal dominant; EDSTROM MYOPATHY; MYOPATHY, PROXIMAL, WITH EARLY RESPIRATORY MUSCLE INVOLVEMENT; Hereditary myopathy with early respiratory failure. Identifiers: Orphanet 178464, Orphanet 34521, MedGen C1863599, MONDO:0011362, OMIM 603689.
Tibial muscular dystrophy (TMD). Also called: Tibial muscular dystrophy, tardive; Udd Distal Myopathy – Tibial Muscular Dystrophy; UDD MYOPATHY. Identifiers: Orphanet 609, MedGen C1838244, MONDO:0010870, OMIM 600334.

Allele frequency attached by ClinVar (database versions not stated): gnomAD exomes 0.05314 and 0.07994; TOPMed 0.06159; 1000 Genomes Project 30x 0.07683; ExAC 0.07248; gnomAD 0.04879 and 0.05077; 1000 Genomes Project 0.07668; ESP Exome Variant Server 0.03449.
gnomAD v4.1: 85,300 of 1,613,746 alleles (5.3%); highest among the groups gnomAD compares: Admixed American, 21%; 3,850 homozygotes.

Submissions (15):

Labcorp Genetics (formerly Invitae), Labcorp
Classification: Benign for Dilated cardiomyopathy 1G; Autosomal recessive limb-girdle muscular dystrophy type 2J. Last evaluated: 2026-02-04. Review status: criteria provided, single submitter. Criteria: Invitae Variant Classification Sherloc (09022015). Collection method: clinical testing. Allele origin: germline.

Molecular Diagnostic Laboratory for Inherited Cardiovascular Disease, Montreal Heart Institute
Classification: Benign. Last evaluated: 2025-04-09. Review status: criteria provided, single submitter. Criteria: ACMG Guidelines, 2015. Collection method: clinical testing. Allele origin: germline. Affected: no.

Genome-Nilou Lab
Classification: Benign for Autosomal recessive limb-girdle muscular dystrophy type 2J. Last evaluated: 2021-09-10. Review status: criteria provided, single submitter. Criteria: ACMG Guidelines, 2015. Collection method: clinical testing. Allele origin: germline. Affected: no.

Genome-Nilou Lab
Classification: Benign for Myopathy, myofibrillar, 9, with early respiratory failure. Last evaluated: 2021-09-10. Review status: criteria provided, single submitter. Criteria: ACMG Guidelines, 2015. Collection method: clinical testing. Allele origin: germline. Affected: no.

Genome-Nilou Lab
Classification: Benign for Early-onset myopathy with fatal cardiomyopathy. Last evaluated: 2021-09-10. Review status: criteria provided, single submitter. Criteria: ACMG Guidelines, 2015. Collection method: clinical testing. Allele origin: germline. Affected: no.

Genome-Nilou Lab
Classification: Benign for Tibial muscular dystrophy. Last evaluated: 2021-09-10. Review status: criteria provided, single submitter. Criteria: ACMG Guidelines, 2015. Collection method: clinical testing. Allele origin: germline. Affected: no.

Ambry Genetics
Classification: Benign for Cardiovascular phenotype. Last evaluated: 2015-04-20. Review status: criteria provided, single submitter. Criteria: Ambry Variant Classification Scheme 2023. Collection method: clinical testing. Allele origin: germline.

Mayo Clinic Laboratories, Mayo Clinic
Classification: Benign. Last evaluated: 2014-08-06. Review status: criteria provided, single submitter. Criteria: ACMG Guidelines, 2015. Collection method: clinical testing. Allele origin: germline. Observed: 181 variant alleles.

GeneDx
Classification: Benign. Last evaluated: 2012-10-19. Review status: criteria provided, single submitter. Criteria: GeneDx Variant Classification (06012015). Collection method: clinical testing. Allele origin: germline. Affected: yes.
Comment: This variant is considered likely benign or benign based on one or more of the following criteria: it is a conservative change, it occurs at a poorly conserved position in the protein, it is predicted to be benign by multiple in silico algorithms, and/or has population frequency not consistent with disease.

Laboratory for Molecular Medicine, Mass General Brigham Personalized Medicine
Classification: Benign. Last evaluated: 2012-04-26. Review status: criteria provided, single submitter. Criteria: LMM Criteria. Collection method: clinical testing. Allele origin: germline. Observed: 160 variant alleles.
Comment: Ala4168Ala in exon 45B of TTN: This variant is not expected to have clinical sig nificance because it does not alter an amino acid residue and is not located wit hin the splice consensus sequence. It has been identified in 4.5% (299/6620) of European American chromosomes from a broad population by the NHLBI Exome Sequenc ing Project (rs1883084).

Breakthrough Genomics
Classification: Benign. Review status: criteria provided, single submitter. Criteria: ACMG Guidelines, 2015. Collection method: not provided. Allele origin: germline. Inheritance: Autosomal recessive inheritance. Affected: yes.

PreventionGenetics, part of Exact Sciences
Classification: Benign. Review status: criteria provided, single submitter. Criteria: ACMG Guidelines, 2015. Collection method: clinical testing. Allele origin: germline.

Clinical Genetics DNA and cytogenetics Diagnostics Lab, Erasmus MC, Erasmus Medical Center
Classification: Benign. Review status: no assertion criteria provided. Collection method: clinical testing. Allele origin: germline. Affected: yes. Study: VKGL Data-share Consensus. Not counted in ClinVar's aggregate classification.

Clinical Genetics, Academic Medical Center
Classification: Benign. Review status: no assertion criteria provided. Collection method: clinical testing. Allele origin: germline. Affected: yes. Study: VKGL Data-share Consensus. Not counted in ClinVar's aggregate classification.

Joint Genome Diagnostic Labs from Nijmegen and Maastricht, Radboudumc and MUMC+
Classification: Benign. Review status: no assertion criteria provided. Collection method: clinical testing. Allele origin: germline. Affected: yes. Study: VKGL Data-share Consensus. Not counted in ClinVar's aggregate classification.

NM_001267550.2(TTN):c.13218C>T (p.Ala4406=)

Gene: TTN (titin; minus strand). Cytogenetic location: 2q31.2.
Variant type: single nucleotide variant.
Coding change: c.13218C>T on transcript NM_001267550.2 (MANE Select); coding-DNA position 13218, C replaced by T.
Protein change: p.Ala4406=; no amino-acid change (alanine 4406 retained).
Molecular consequence: synonymous variant. On other transcripts: intron variant (1).
Genome position (GRCh38, 1-based): chr2:178,740,015, G>A on the plus strand (C>T on the coding strand, the complement: TTN is on the minus strand). VCF-style: chr2-178740015-G-A. GRCh37 (hg19) VCF-style: chr2-179604742-G-A.
Other names: p.A4089A:GCC>GCT; p.Ala4089=; c.12267C>T, p.Ala4089= (NM_001256850.1); c.12129C>T, p.Ala4043= (NM_003319.4); c.12504C>T, p.Ala4168= (NM_133432.3); c.12705C>T, p.Ala4235= (NM_133437.4); c.10361-1655C>T (NM_133378.4).
Identifiers: ClinVar variation 47836 (VCV000047836.29), dbSNP rs1883084, ClinGen allele CA284557.
Genomic context (GRCh38, chr2:178,740,015, plus strand): 5'-CTCCACCTTTTCAATATTTCTTAGCCACTCAGAGAAAAGACCTGGCTGCTCGCTGGCCAC[G>A]GCTGCTTGCAAAGCCCGGCAGATTTGAATTTTCAGGTTTAATCTCTGCTCTTCTGGAATA-3'
Protein context (NP_001254479.2, residues 4396-4416): KIQICRALQA[Ala4406=]VASEQPGLFS